The following is an entry in ClinVar:

ClinVar aggregate classification (germline): Likely benign. Review status: criteria provided, multiple submitters, no conflicts (2 of 4 stars). 2 submissions from 2 submitters: Likely benign (2). Last evaluated 2026-01-24.

Conditions:
Early-infantile DEE. Also called: Early infantile epileptic encephalopathy; Ohtahara syndrome; Early infantile epileptic encephalopathy with suppression bursts. Identifiers: Orphanet 1934, MedGen C0393706, MONDO:0800491.

Allele frequency attached by ClinVar (database versions not stated): 1000 Genomes Project 30x 0.00016; 1000 Genomes Project 0.00020; gnomAD exomes 0.00004 and 0.00013; gnomAD 0.00008 and 0.00009; TOPMed 0.00012; ExAC 0.00015.
gnomAD v4.1: 76 of 1,598,532 alleles (0.0048%); highest among the groups gnomAD compares: East Asian, 0.098%; no homozygotes.

Submissions (2):

Labcorp Genetics (formerly Invitae), Labcorp
Classification: Likely benign for Early-infantile DEE. Last evaluated: 2026-01-24. Review status: criteria provided, single submitter. Criteria: Invitae Variant Classification Sherloc (09022015). Collection method: clinical testing. Allele origin: germline.

GeneDx
Classification: Likely benign. Last evaluated: 2018-01-31. Review status: criteria provided, single submitter. Criteria: GeneDx Variant Classification (06012015). Collection method: clinical testing. Allele origin: germline. Affected: yes.
Comment: This variant is considered likely benign or benign based on one or more of the following criteria: it is a conservative change, it occurs at a poorly conserved position in the protein, it is predicted to be benign by multiple in silico algorithms, and/or has population frequency not consistent with disease.

NM_001191061.2(SLC25A22):c.819-15G>A

Gene: SLC25A22 (solute carrier family 25 member 22; minus strand). Cytogenetic location: 11p15.5.
Variant type: single nucleotide variant.
Coding change: c.819-15G>A on transcript NM_001191061.2 (MANE Select); 15 bases into the intron before coding-DNA position 819, G replaced by A.
Molecular consequence: intron variant.
Genome position (GRCh38, 1-based): chr11:792,083, C>T on the plus strand (G>A on the coding strand, the complement: SLC25A22 is on the minus strand). VCF-style: chr11-792083-C-T. GRCh37 (hg19) VCF-style: chr11-792083-C-T.
Other names: c.819-15G>A (NM_001191060.2, NM_024698.6).
Identifiers: ClinVar variation 515063 (VCV000515063.10), dbSNP rs546478081, ClinGen allele CA5789033.